The following is an entry in ClinVar:

ClinVar aggregate classification (germline): Likely pathogenic (1 of 4 stars; one submission).

Submission:

Labcorp Genetics (formerly Invitae), Labcorp
Classification: Likely pathogenic. Last evaluated: 2023-03-03. Review status: criteria provided, single submitter. Criteria: Invitae Variant Classification Sherloc (09022015). Collection method: clinical testing. Allele origin: germline.
Comment: In summary, the currently available evidence indicates that the variant is pathogenic, but additional data are needed to prove that conclusively. Therefore, this variant has been classified as Likely Pathogenic. Algorithms developed to predict the effect of sequence changes on RNA splicing suggest that this variant may disrupt the consensus splice site. This variant has not been reported in the literature in individuals affected with ASPM-related conditions. This variant is not present in population databases (gnomAD no frequency). This sequence change affects an acceptor splice site in intron 13 of the ASPM gene. It is expected to disrupt RNA splicing. Variants that disrupt the donor or acceptor splice site typically lead to a loss of protein function (PMID: 16199547), and loss-of-function variants in ASPM are known to be pathogenic (PMID: 19028728, 23611254).

Literature cited by the submitters: PubMed 16199547; PubMed 19028728; PubMed 23611254.

NM_018136.5(ASPM):c.3391-2A>G

Gene: ASPM (assembly factor for spindle microtubules; minus strand). Cytogenetic location: 1q31.3.
Variant type: single nucleotide variant.
Coding change: c.3391-2A>G on transcript NM_018136.5 (MANE Select); the canonical splice acceptor site of the intron before coding-DNA position 3391, A replaced by G.
Molecular consequence: splice acceptor variant.
Genome position (GRCh38, 1-based): chr1:197,122,597, T>C on the plus strand (A>G on the coding strand, the complement: ASPM is on the minus strand). VCF-style: chr1-197122597-T-C. GRCh37 (hg19) VCF-style: chr1-197091727-T-C.
Other names: c.3391-2A>G (NM_001206846.2).
Identifiers: ClinVar variation 2880181 (VCV002880181.3), dbSNP rs2527347805, ClinGen allele CA344040960.
Genomic context (GRCh38, chr1:197,122,597, plus strand): 5'-TGGTGGATCAGGTAACATAACACACGGCCGTCTGAGAAAGACACTGTAAAATTCTCCACC[T>C]GATTGAAAATGCCAGAAAAACAATTAACCGCATTTAGAAAGTAGTATAGACATAATGGTT-3'